The following is an entry in ClinVar:

ClinVar aggregate classification (germline): Uncertain significance (1 of 4 stars; one submission).

Conditions:
Lafora disease. Also called: Progressive Myoclonus Epilepsy, Lafora Type; Epilepsy progressive myoclonic 2. Identifiers: Orphanet 501, MedGen C0751783, MONDO:0009697.

Submission:

Labcorp Genetics (formerly Invitae), Labcorp
Classification: Uncertain significance for Lafora disease. Last evaluated: 2022-03-23. Review status: criteria provided, single submitter. Criteria: Invitae Variant Classification Sherloc (09022015). Collection method: clinical testing. Allele origin: germline.
Comment: This variant is not present in population databases (gnomAD no frequency). In summary, the available evidence is currently insufficient to determine the role of this variant in disease. Therefore, it has been classified as a Variant of Uncertain Significance. Experimental studies and prediction algorithms are not available or were not evaluated, and the functional significance of this variant is currently unknown. ClinVar contains an entry for this variant (Variation ID: 1047716). This variant has not been reported in the literature in individuals affected with NHLRC1-related conditions. This variant, c.423_425del, results in the deletion of 1 amino acid(s) of the NHLRC1 protein (p.Val144del), but otherwise preserves the integrity of the reading frame.

NM_198586.3(NHLRC1):c.423_425del (p.Val144del)

Gene: NHLRC1 (NHL repeat containing E3 ubiquitin protein ligase 1; minus strand). Cytogenetic location: 6p22.3.
Variant type: Deletion.
Coding change: c.423_425del on transcript NM_198586.3 (MANE Select); coding-DNA positions 423 to 425, 3 bases deleted (CGT; older notation c.423_425delCGT).
Protein change: p.Val144del; deletes valine 144.
Molecular consequence: inframe deletion.
Genome position (GRCh38, 1-based): chr6:18,122,182-18,122,184, ACG deleted on the plus strand (CGT on the coding strand, the reverse complement: NHLRC1 is on the minus strand); deleting any 3 consecutive bases within chr6:18,122,182-18,122,186 gives the same sequence; the c. name uses the placement nearest the transcript's 3' end. VCF-style (leftmost placement, unchanged base first): chr6-18122181-CACG-C. GRCh37 (hg19) VCF-style: chr6-18122412-CACG-C.
Other names: short protein forms V144del.
Identifiers: ClinVar variation 1047716 (VCV001047716.9), dbSNP rs1783748374, ClinGen allele CA1613536448.